The following is an entry in ClinVar:

ClinVar aggregate classification (germline): Likely benign (1 of 4 stars; one submission).

Allele frequency attached by ClinVar (database versions not stated): 1000 Genomes Project 30x 0.00021; gnomAD 0.00025; TOPMed 0.00026; gnomAD exomes 0.00061.
gnomAD v4.1: 271 of 498,553 alleles (0.054%); highest among the groups gnomAD compares: Non-Finnish European, 0.062%; no homozygotes.

Submission:

CeGaT Center for Human Genetics Tuebingen
Classification: Likely benign. Last evaluated: 2023-03-01. Review status: criteria provided, single submitter. Criteria: CeGaT Center For Human Genetics Tuebingen Variant Classification Criteria Version 2. Collection method: clinical testing. Allele origin: germline. Affected: yes. Observed: 1 variant allele.
Comment: FRMPD4: BS2

NM_001368397.1(FRMPD4):c.42-3728C>T

Gene: FRMPD4 (FERM and PDZ domain containing 4; plus strand). Cytogenetic location: Xp22.2.
Variant type: single nucleotide variant.
Coding change: c.42-3728C>T on transcript NM_001368397.1 (MANE Select); 3728 bases into the intron before coding-DNA position 42, C replaced by T.
Molecular consequence: intron variant.
Genome position (GRCh38, 1-based): chrX:12,494,952, C>T. VCF-style: chrX-12494952-C-T. GRCh37 (hg19) VCF-style: chrX-12513071-C-T.
Other names: c.153-3728C>T (NM_001368398.3, NM_001368395.3); c.18-3728C>T (NM_001368402.3, NM_001368401.1); c.-79-3728C>T (NM_001368400.3); c.33-3728C>T (NM_001368399.3); c.42-3728C>T (NM_014728.3, NM_001368396.3).
Identifiers: ClinVar variation 2499120 (VCV002499120.28), dbSNP rs765188236, ClinGen allele CA326777048.